The following is an entry in ClinVar:

NM_020184.4(CNNM4):c.2219T>C (p.Met740Thr)

Gene: CNNM4 (cyclin and CBS domain divalent metal cation transport mediator 4; plus strand). Cytogenetic location: 2q11.2.
Variant type: single nucleotide variant.
Coding change: c.2219T>C on transcript NM_020184.4 (MANE Select); coding-DNA position 2219, T replaced by C.
Protein change: p.Met740Thr; replaces methionine 740 with threonine.
Molecular consequence: missense variant.
Genome position (GRCh38, 1-based): chr2:96,809,408, T>C. VCF-style: chr2-96809408-T-C. GRCh37 (hg19) VCF-style: chr2-97475145-T-C.
Other names: short protein forms M740T.
Identifiers: ClinVar variation 1021277 (VCV001021277.6), dbSNP rs1333027179, ClinGen allele CA347709836.

ClinVar aggregate classification (germline): Uncertain significance (1 of 4 stars; one submission).

Submission:

Labcorp Genetics (formerly Invitae), Labcorp
Classification: Uncertain significance. Last evaluated: 2022-02-09. Review status: criteria provided, single submitter. Criteria: Invitae Variant Classification Sherloc (09022015). Collection method: clinical testing. Allele origin: germline.
Comment: This sequence change replaces methionine, which is neutral and non-polar, with threonine, which is neutral and polar, at codon 740 of the CNNM4 protein (p.Met740Thr). This variant is not present in population databases (gnomAD no frequency). This variant has not been reported in the literature in individuals affected with CNNM4-related conditions. ClinVar contains an entry for this variant (Variation ID: 1021277). Algorithms developed to predict the effect of missense changes on protein structure and function output the following: SIFT: "Tolerated"; PolyPhen-2: "Benign"; Align-GVGD: "Class C0". The threonine amino acid residue is found in multiple mammalian species, which suggests that this missense change does not adversely affect protein function. In summary, the available evidence is currently insufficient to determine the role of this variant in disease. Therefore, it has been classified as a Variant of Uncertain Significance.